The following is an entry in ClinVar:

NM_004972.4(JAK2):c.2486C>T (p.Ala829Val)

Genes: INSL6 (insulin like 6; minus strand), JAK2 (Janus kinase 2; plus strand). Cytogenetic location: 9p24.1.
Variant type: single nucleotide variant.
Coding change: c.2486C>T on transcript NM_004972.4 (MANE Select); coding-DNA position 2486, C replaced by T.
Protein change: p.Ala829Val; replaces alanine 829 with valine.
Molecular consequence: missense variant. On other transcripts: non-coding transcript variant (2).
Genome position (GRCh38, 1-based): chr9:5,081,776, C>T. VCF-style: chr9-5081776-C-T. GRCh37 (hg19) VCF-style: chr9-5081776-C-T.
Other names: c.2486C>T, p.Ala829Val (NM_001322194.2, NM_001322195.2, NM_001322196.2); c.1271C>T, p.Ala424Val (NM_001322198.2, NM_001322199.2); c.2039C>T, p.Ala680Val (NM_001322204.2); short protein forms A829V, A680V, A424V.
Identifiers: ClinVar variation 3679638 (VCV003679638.2).

ClinVar aggregate classification (germline): Uncertain significance (1 of 4 stars; one submission).

gnomAD v4.1: 6 of 1,604,984 alleles (0.00037%); highest among the groups gnomAD compares: Non-Finnish European, 0.00043%; no homozygotes.

Submission:

Labcorp Genetics (formerly Invitae), Labcorp
Classification: Uncertain significance. Last evaluated: 2025-01-27. Review status: criteria provided, single submitter. Criteria: Invitae Variant Classification Sherloc (09022015). Collection method: clinical testing. Allele origin: germline.
Comment: This sequence change replaces alanine, which is neutral and non-polar, with valine, which is neutral and non-polar, at codon 829 of the JAK2 protein (p.Ala829Val). This variant is not present in population databases (gnomAD no frequency). This variant has not been reported in the literature in individuals affected with JAK2-related conditions. Invitae Evidence Modeling of protein sequence and biophysical properties (such as structural, functional, and spatial information, amino acid conservation, physicochemical variation, residue mobility, and thermodynamic stability) indicates that this missense variant is not expected to disrupt JAK2 protein function with a negative predictive value of 95%. In summary, the available evidence is currently insufficient to determine the role of this variant in disease. Therefore, it has been classified as a Variant of Uncertain Significance.